The following is an entry in ClinVar:

ClinVar aggregate classification (germline): Uncertain significance (1 of 4 stars; one submission).

Conditions:
AP1B1-related disorder. Also called: AP1B1-related condition.

gnomAD v4.1: 32 of 1,613,856 alleles (0.002%); highest among the groups gnomAD compares: Non-Finnish European, 0.0025%; no homozygotes.

Submission:

PreventionGenetics, part of Exact Sciences
Classification: Uncertain significance for AP1B1-related condition. Last evaluated: 2026-08-06. Review status: criteria provided, single submitter. Criteria: ACMG Guidelines, 2015. Collection method: clinical testing. Allele origin: germline.
Comment: The AP1B1 c.1124G>A variant is predicted to result in the amino acid substitution p.Arg375His. To our knowledge, this variant has not been reported in the literature. This variant is reported in 0.0062% of alleles in individuals of European (Non-Finnish) descent in gnomAD. At this time, the clinical significance of this variant is uncertain due to the absence of conclusive functional and genetic evidence.

NM_001127.4(AP1B1):c.1124G>A (p.Arg375His)

Gene: AP1B1 (adaptor related protein complex 1 subunit beta 1; minus strand). Cytogenetic location: 22q12.2.
Variant type: single nucleotide variant.
Coding change: c.1124G>A on transcript NM_001127.4 (MANE Select); coding-DNA position 1124, G replaced by A.
Protein change: p.Arg375His; replaces arginine 375 with histidine.
Molecular consequence: missense variant.
Genome position (GRCh38, 1-based): chr22:29,351,202, C>T on the plus strand (G>A on the coding strand, the complement: AP1B1 is on the minus strand). VCF-style: chr22-29351202-C-T. GRCh37 (hg19) VCF-style: chr22-29747191-C-T.
Other names: c.1124G>A, p.Arg375His (NM_001166019.2, NM_001378562.1, NM_001378563.1 and 2 more transcripts); c.953G>A, p.Arg318His (NM_001378564.1, NM_001378565.1); short protein forms R318H, R375H.
Identifiers: ClinVar variation 4978946 (VCV004978946.1).